The following is an entry in ClinVar:

NM_001220.5(CAMK2B):c.1370T>A (p.Val457Glu)

Gene: CAMK2B (calcium/calmodulin dependent protein kinase II beta; minus strand). Cytogenetic location: 7p13.
Variant type: single nucleotide variant.
Coding change: c.1370T>A on transcript NM_001220.5 (MANE Select); coding-DNA position 1370, T replaced by A.
Protein change: p.Val457Glu; replaces valine 457 with glutamic acid.
Molecular consequence: missense variant. On other transcripts: intron variant (8).
Genome position (GRCh38, 1-based): chr7:44,228,894, A>T on the plus strand (T>A on the coding strand, the complement: CAMK2B is on the minus strand). VCF-style: chr7-44228894-A-T. GRCh37 (hg19) VCF-style: chr7-44268493-A-T.
Other names: c.947-7993T>A (NM_172084.3); c.1150+2112T>A (NM_172080.3); c.1036+2112T>A (NM_172083.3); c.1108+2112T>A (NM_172081.3); c.1153+2112T>A (NM_172079.3, NM_172082.3); c.1225+2112T>A (NM_001293170.2, NM_172078.3); short protein forms V457E.
Identifiers: ClinVar variation 2727040 (VCV002727040.3), dbSNP rs893430420, ClinGen allele CA367373245.

ClinVar aggregate classification (germline): Uncertain significance (1 of 4 stars; one submission).

Submission:

Labcorp Genetics (formerly Invitae), Labcorp
Classification: Uncertain significance. Last evaluated: 2023-10-13. Review status: criteria provided, single submitter. Criteria: Invitae Variant Classification Sherloc (09022015). Collection method: clinical testing. Allele origin: germline.
Comment: This sequence change replaces valine, which is neutral and non-polar, with glutamic acid, which is acidic and polar, at codon 457 of the CAMK2B protein (p.Val457Glu). This variant is not present in population databases (gnomAD no frequency). This variant has not been reported in the literature in individuals affected with CAMK2B-related conditions. An algorithm developed to predict the effect of missense changes on protein structure and function (PolyPhen-2) suggests that this variant is likely to be tolerated. In summary, the available evidence is currently insufficient to determine the role of this variant in disease. Therefore, it has been classified as a Variant of Uncertain Significance.